The following is an entry in ClinVar:

ClinVar aggregate classification (germline): Uncertain significance (1 of 4 stars; one submission).

Conditions:
Spastic paraplegia. Identifiers: MedGen C0037772, HP:0001258.

Submission:

Labcorp Genetics (formerly Invitae), Labcorp
Classification: Uncertain significance for Spastic paraplegia. Last evaluated: 2025-09-14. Review status: criteria provided, single submitter. Criteria: Invitae Variant Classification Sherloc (09022015). Collection method: clinical testing. Allele origin: germline.
Comment: This sequence change replaces isoleucine, which is neutral and non-polar, with threonine, which is neutral and polar, at codon 371 of the HSPD1 protein (p.Ile371Thr). This variant is not present in population databases (gnomAD no frequency). This variant has not been reported in the literature in individuals affected with HSPD1-related conditions. Invitae Evidence Modeling of protein sequence and biophysical properties (such as structural, functional, and spatial information, amino acid conservation, physicochemical variation, residue mobility, and thermodynamic stability) indicates that this missense variant is not expected to disrupt HSPD1 protein function with a negative predictive value of 80%. In summary, the available evidence is currently insufficient to determine the role of this variant in disease. Therefore, it has been classified as a Variant of Uncertain Significance.

NM_002156.5(HSPD1):c.1112T>C (p.Ile371Thr)

Gene: HSPD1 (heat shock protein family D (Hsp60) member 1; minus strand). Cytogenetic location: 2q33.1.
Variant type: single nucleotide variant.
Coding change: c.1112T>C on transcript NM_002156.5 (MANE Select); coding-DNA position 1112, T replaced by C.
Protein change: p.Ile371Thr; replaces isoleucine 371 with threonine.
Molecular consequence: missense variant.
Genome position (GRCh38, 1-based): chr2:197,489,105, A>G on the plus strand (T>C on the coding strand, the complement: HSPD1 is on the minus strand). VCF-style: chr2-197489105-A-G. GRCh37 (hg19) VCF-style: chr2-198353829-A-G.
Other names: c.1112T>C, p.Ile371Thr (NM_199440.2); short protein forms I371T.
Identifiers: ClinVar variation 4692048 (VCV004692048.1).